The following is an entry in ClinVar:

NM_000179.3(MSH6):c.2882G>C (p.Arg961Thr)

Gene: MSH6 (mutS homolog 6; plus strand). Cytogenetic location: 2p16.3.
Variant type: single nucleotide variant.
Coding change: c.2882G>C on transcript NM_000179.3 (MANE Select); coding-DNA position 2882, G replaced by C.
Protein change: p.Arg961Thr; replaces arginine 961 with threonine.
Molecular consequence: missense variant.
Genome position (GRCh38, 1-based): chr2:47,800,865, G>C. VCF-style: chr2-47800865-G-C. GRCh37 (hg19) VCF-style: chr2-48028004-G-C.
Other names: c.2492G>C, p.Arg831Thr (NM_001281492.2); c.1976G>C, p.Arg659Thr (NM_001281493.2, NM_001281494.2); short protein forms R961T, R659T, R831T.
Identifiers: ClinVar variation 229829 (VCV000229829.21), dbSNP rs587781458, ClinGen allele CA069753.
Genomic context (GRCh38, chr2:47,800,865, plus strand): 5'-TTGCTGACATAAGAGAAAATGAACAGAGCCTCCTGGAATACCTAGAGAAACAGCGCAACA[G>C]AATTGGCTGTAGGACCATAGTCTATTGGGGGATTGGTAGGAACCGTTACCAGCTGGAAAT-3'
Protein context (NP_000170.1, residues 951-971): LLEYLEKQRN[Arg961Thr]IGCRTIVYWG

ClinVar aggregate classification (germline): Conflicting classifications of pathogenicity. Review status: criteria provided, conflicting classifications (1 of 4 stars). 4 submissions from 4 submitters: Uncertain significance (3); Likely benign (1). Last evaluated 2025-12-02.

Conditions:
Hereditary nonpolyposis colorectal neoplasms. Identifiers: MedGen C0009405, MeSH D003123.
Hereditary cancer-predisposing syndrome. Also called: Hereditary neoplastic syndrome; Hereditary Cancer Syndrome; Neoplastic Syndromes, Hereditary; Tumor predisposition. Identifiers: Orphanet 140162, MedGen C0027672, MeSH D009386, MONDO:0015356.

Allele frequency attached by ClinVar (database versions not stated): gnomAD exomes below 0.00001 and 0.00001; ExAC 0.00001; gnomAD 0.00001; TOPMed 0.00001.

Submissions (4):

Labcorp Genetics (formerly Invitae), Labcorp
Classification: Likely benign for Hereditary nonpolyposis colorectal neoplasms. Last evaluated: 2025-12-02. Review status: criteria provided, single submitter. Criteria: Invitae Variant Classification Sherloc (09022015). Collection method: clinical testing. Allele origin: germline.

Ambry Genetics
Classification: Uncertain significance for Hereditary cancer-predisposing syndrome. Last evaluated: 2025-06-06. Review status: criteria provided, single submitter. Criteria: Ambry Variant Classification Scheme 2023. Collection method: clinical testing. Allele origin: germline.
Comment: The p.R961T variant (also known as c.2882G>C), located in coding exon 4 of the MSH6 gene, results from a G to C substitution at nucleotide position 2882. The arginine at codon 961 is replaced by threonine, an amino acid with similar properties. This amino acid position is well conserved in available vertebrate species. In addition, this alteration is predicted to be deleterious by in silico analysis. Based on the available evidence, the clinical significance of this variant remains unclear.

Women's Health and Genetics/Laboratory Corporation of America, LabCorp
Classification: Uncertain significance. Last evaluated: 2023-11-27. Review status: criteria provided, single submitter. Criteria: LabCorp Variant Classification Summary - May 2015. Collection method: clinical testing. Allele origin: germline.
Comment: Variant summary: MSH6 c.2882G>C (p.Arg961Thr) results in a non-conservative amino acid change located in the DNA mismatch repair protein MutS, core (IPR007696) of the encoded protein sequence. Three of five in-silico tools predict a benign effect of the variant on protein function. The variant allele was found at a frequency of 8e-06 in 250018 control chromosomes. The available data on variant occurrences in the general population are insufficient to allow any conclusion about variant significance. c.2882G>C has been reported in the literature in individuals affected with Cancer (Bhai_2021). This report does not provide unequivocal conclusions about association of the variant with Lynch Syndrome. To our knowledge, no experimental evidence demonstrating an impact on protein function has been reported. The following publication have been ascertained in the context of this evaluation (PMID: 34326862). Three submitters have cited clinical-significance assessments for this variant to ClinVar after 2014 and classified as VUS (n=2) and likely benign (n=1). Based on the evidence outlined above, the variant was classified as uncertain significance.

Color Diagnostics, LLC DBA Color Health
Classification: Uncertain significance for Hereditary cancer-predisposing syndrome. Last evaluated: 2023-11-16. Review status: criteria provided, single submitter. Criteria: ACMG Guidelines, 2015. Collection method: clinical testing. Allele origin: germline.
Comment: This missense variant replaces arginine with threonine at codon 961 of the MSH6 protein. Computational prediction is inconclusive regarding the impact of this variant on protein structure and function (internally defined REVEL score threshold 0.5 < inconclusive < 0.7, PMID: 27666373). To our knowledge, functional studies have not been reported for this variant. This variant has been identified in an individual affected with skin melanoma (PMID: 29684080). This variant has been identified in 3/281420 chromosomes in the general population by the Genome Aggregation Database (gnomAD). The available evidence is insufficient to determine the role of this variant in disease conclusively. Therefore, this variant is classified as a Variant of Uncertain Significance.

Literature cited by the submitters: PubMed 29684080 (cited by Ambry Genetics and Color Diagnostics, LLC DBA Color Health); PubMed 34326862 (cited by Women's Health and Genetics/Laboratory Corporation of America, LabCorp).